The following is an entry in ClinVar:

NM_003106.4(SOX2):c.133A>C (p.Met45Leu)

Genes: SOX2-OT (SOX2 overlapping transcript; plus strand), SOX2 (SRY-box transcription factor 2; plus strand), LOC108281177 (SOX2 5' regulatory region; plus strand). Cytogenetic location: 3q26.33.
Variant type: single nucleotide variant.
Coding change: c.133A>C on transcript NM_003106.4 (MANE Select); coding-DNA position 133, A replaced by C.
Protein change: p.Met45Leu; replaces methionine 45 with leucine.
Molecular consequence: missense variant.
Genome position (GRCh38, 1-based): chr3:181,712,493, A>C. VCF-style: chr3-181712493-A-C. GRCh37 (hg19) VCF-style: chr3-181430281-A-C.
Other names: short protein forms M45L.
Identifiers: ClinVar variation 2446148 (VCV002446148.2), dbSNP rs2473717217, ClinGen allele CA355473189.

ClinVar aggregate classification (germline): Uncertain significance (1 of 4 stars; one submission).

Submission:

GeneDx
Classification: Uncertain significance. Last evaluated: 2026-05-19. Review status: criteria provided, single submitter. Criteria: GeneDx Variant Classification Process June 2021. Collection method: clinical testing. Allele origin: germline.
Comment: Not observed at significant frequency in large population cohorts (gnomAD); In silico analysis supports that this missense variant has a deleterious effect on protein structure/function; Has not been previously published as pathogenic or benign to our knowledge